The following is an entry in ClinVar:

ClinVar aggregate classification (germline): Uncertain significance (1 of 4 stars; one submission).

Allele frequency attached by ClinVar (database versions not stated): gnomAD exomes below 0.00001; TOPMed below 0.00001; gnomAD 0.00001.

Submission:

Labcorp Genetics (formerly Invitae), Labcorp
Classification: Uncertain significance. Last evaluated: 2023-08-04. Review status: criteria provided, single submitter. Criteria: Invitae Variant Classification Sherloc (09022015). Collection method: clinical testing. Allele origin: germline.
Comment: This variant has not been reported in the literature in individuals affected with P3H2-related conditions. This variant, c.48_62dup, results in the insertion of 5 amino acid(s) of the P3H2 protein (p.Leu18_Leu22dup), but otherwise preserves the integrity of the reading frame. This variant is not present in population databases (gnomAD no frequency). ClinVar contains an entry for this variant (Variation ID: 1476064). Experimental studies and prediction algorithms are not available or were not evaluated, and the functional significance of this variant is currently unknown. In summary, the available evidence is currently insufficient to determine the role of this variant in disease. Therefore, it has been classified as a Variant of Uncertain Significance.

NM_018192.4(P3H2):c.48_62dup (p.Leu18_Leu22dup)

Genes: P3H2 (prolyl 3-hydroxylase 2; minus strand), LOC123464484 (Sharpr-MPRA regulatory region 10063; plus strand). Cytogenetic location: 3q28.
Variant type: Duplication.
Coding change: c.48_62dup on transcript NM_018192.4 (MANE Select); coding-DNA positions 48 to 62, 15 bases duplicated (GCTACTGCCGCCGCC).
Protein change: p.Leu18_Leu22dup.
Molecular consequence: inframe insertion. On other transcripts: intron variant (1).
Genome position (GRCh38, 1-based): chr3:190,120,670-190,120,684, GGCGGCGGCAGTAGC duplicated on the plus strand (GCTACTGCCGCCGCC on the coding strand, the reverse complement: P3H2 is on the minus strand). VCF-style (leftmost placement, unchanged base first): chr3-190120669-T-TGGCGGCGGCAGTAGC. GRCh37 (hg19) VCF-style: chr3-189838458-T-TGGCGGCGGCAGTAGC.
Other names: c.-64+1519_-64+1533dup (NM_001134418.2).
Identifiers: ClinVar variation 1476064 (VCV001476064.6), dbSNP rs1243539442, ClinGen allele CA904211962.